The following is an entry in ClinVar:

NM_001161352.2(KCNMA1):c.2165C>T (p.Ser722Leu)

Gene: KCNMA1 (potassium calcium-activated channel subfamily M alpha 1; minus strand). Cytogenetic location: 10q22.3.
Variant type: single nucleotide variant.
Coding change: c.2165C>T on transcript NM_001161352.2 (MANE Select); coding-DNA position 2165, C replaced by T.
Protein change: p.Ser722Leu; replaces serine 722 with leucine.
Molecular consequence: missense variant. On other transcripts: intron variant (12).
Genome position (GRCh38, 1-based): chr10:77,001,508, G>A on the plus strand (C>T on the coding strand, the complement: KCNMA1 is on the minus strand). VCF-style: chr10-77001508-G-A. GRCh37 (hg19) VCF-style: chr10-78761266-G-A.
Other names: c.2092+10459C>T (NM_002247.3, NM_001322832.2, NM_002247.4 and 1 more transcripts); c.1942+10459C>T (NM_001271518.2); c.2101+6677C>T (NM_001322829.2, NM_001322836.2, NM_001271519.2); c.2104+10459C>T (NM_001014797.3, NM_001322835.2, NM_001322837.2); c.2113+6677C>T (NM_001322830.2); c.1552+10459C>T (NM_001322838.2); c.2165C>T (NM_001161352.1); short protein forms S722L.
Identifiers: ClinVar variation 444227 (VCV000444227.41), dbSNP rs373620901, ClinGen allele CA5568202.
Genomic context (GRCh38, chr10:77,001,508, plus strand): 5'-GAAAGTGGGAAGGCTCTCTCAAGGGTGTCCACGTTACCACGCACACGGCCTGACATGCAT[G>A]AGCAGTCACGCTCAGAACGTCCGCAATCAAAACAACATGCCCGTCTCATTCTCTTGTAGA-3'
Protein context (NP_001154824.1, residues 712-732): FDCGRSERDC[Ser722Leu]CMSGRVRGNV

ClinVar aggregate classification (germline): Uncertain significance. Review status: criteria provided, multiple submitters, no conflicts (2 of 4 stars). 4 submissions from 4 submitters: Uncertain significance (4). Last evaluated 2026-04-02.

Conditions:
Epilepsy, idiopathic generalized, susceptibility to, 16. Identifiers: MedGen C5231421, MONDO:0032827, OMIM 618596.
Inborn genetic diseases. Identifiers: MedGen C0950123, MeSH D030342.
KCNMA1-related disorder. Also called: KCNMA1-related disorders; KCNMA1-related condition.

Allele frequency attached by ClinVar (database versions not stated): gnomAD exomes 0.00003 and 0.00004; ExAC 0.00004; gnomAD 0.00009; TOPMed 0.00012; ESP Exome Variant Server 0.00022.
gnomAD v4.1: 50 of 1,551,776 alleles (0.0032%); highest among the groups gnomAD compares: Non-Finnish European, 0.0042%; no homozygotes.

Submissions (4):

PreventionGenetics, part of Exact Sciences
Classification: Uncertain significance for KCNMA1-related condition. Last evaluated: 2026-04-02. Review status: criteria provided, single submitter. Criteria: ACMG Guidelines, 2015. Collection method: clinical testing. Allele origin: germline.
Comment: The KCNMA1 c.2165C>T variant is predicted to result in the amino acid substitution p.Ser722Leu. To our knowledge, this variant has not been reported in the literature. This variant is reported in 0.0078% of alleles in individuals of European (Non-Finnish) descent in gnomAD. At this time, the clinical significance of this variant is uncertain due to the absence of conclusive functional and genetic evidence.

Ambry Genetics
Classification: Uncertain significance for Inborn genetic diseases. Last evaluated: 2021-05-21. Review status: criteria provided, single submitter. Criteria: Ambry Variant Classification Scheme 2023. Collection method: clinical testing. Allele origin: germline.
Comment: The c.2092+10459C>T intronic alteration consists of a C to T substitution 0459 nucleotides after coding exon 18 in the KCNMA1 gene. Based on insufficient or conflicting evidence, the clinical significance of this alteration remains unclear.

New York Genome Center
Classification: Uncertain significance for Epilepsy, idiopathic generalized, susceptibility to, 16. Last evaluated: 2020-09-23. Review status: criteria provided, single submitter. Criteria: NYGC Assertion Criteria 2020. Collection method: clinical testing. Allele origin: germline. Observed: 1 heterozygote. Study: CSER-NYCKidSeq.

CeGaT Center for Human Genetics Tuebingen
Classification: Uncertain significance. Last evaluated: 2020-07-01. Review status: criteria provided, single submitter. Criteria: CeGaT Center For Human Genetics Tuebingen Variant Classification Criteria Version 2. Collection method: clinical testing. Allele origin: germline. Affected: yes. Observed: 1 variant allele.